The following is an entry in ClinVar:

ClinVar aggregate classification (germline): Uncertain significance (1 of 4 stars; one submission).

Allele frequency attached by ClinVar (database versions not stated): gnomAD exomes below 0.00001.
gnomAD v4.1: 6 of 1,614,004 alleles (0.00037%); highest among the groups gnomAD compares: Non-Finnish European, 0.00051%; no homozygotes.

Submission:

Greenwood Genetic Center Diagnostic Laboratories, Greenwood Genetic Center
Classification: Uncertain significance. Last evaluated: 2023-04-12. Review status: criteria provided, single submitter. Criteria: ACMG Guidelines, 2015. Collection method: clinical testing. Allele origin: germline. Affected: yes.
Comment: PM2, BP4

NM_001366521.1(ATP2B1):c.1884C>T (p.Asp628=)

Gene: ATP2B1 (ATPase plasma membrane Ca2+ transporting 1; minus strand). Cytogenetic location: 12q21.33.
Variant type: single nucleotide variant.
Coding change: c.1884C>T on transcript NM_001366521.1 (MANE Select); coding-DNA position 1884, C replaced by T.
Protein change: p.Asp628=; no amino-acid change (aspartic acid 628 retained).
Molecular consequence: synonymous variant. On other transcripts: non-coding transcript variant (3).
Genome position (GRCh38, 1-based): chr12:89,616,985, G>A on the plus strand (C>T on the coding strand, the complement: ATP2B1 is on the minus strand). VCF-style: chr12-89616985-G-A. GRCh37 (hg19) VCF-style: chr12-90010762-G-A.
Other names: c.1884C>T, p.Asp628= (NM_001001323.2, NM_001366520.1, NM_001366522.1 and 12 more transcripts); c.1686C>T, p.Asp562= (NM_001366530.1, NM_001413053.1); c.1323C>T, p.Asp441= (NM_001366531.1, NM_001366532.1, NM_001413058.1 and 2 more transcripts); c.1845C>T, p.Asp615= (NM_001413048.1); c.1743C>T, p.Asp581= (NM_001413051.1, NM_001413052.1, NM_001413055.1); c.1641C>T, p.Asp547= (NM_001413054.1); c.1629C>T, p.Asp543= (NM_001413056.1); c.1431C>T, p.Asp477= (NM_001413057.1).
Identifiers: ClinVar variation 2572324 (VCV002572324.1), dbSNP rs2540973311, ClinGen allele CA481311178.